The following is an entry in ClinVar:

NM_004360.5(CDH1):c.897del (p.Ile300fs)

Gene: CDH1 (cadherin 1; plus strand). Cytogenetic location: 16q22.1.
Variant type: Deletion.
Coding change: c.897del on transcript NM_004360.5 (MANE Select); coding-DNA position 897, one base deleted (C; older notation c.897delC).
Protein change: p.Ile300fs; shifts the reading frame from isoleucine 300.
Molecular consequence: frameshift variant. On other transcripts: 5 prime UTR variant (2).
Genome position (GRCh38, 1-based): chr16:68,811,748, C deleted; the last of 2 consecutive C bases (chr16:68,811,747-68,811,748); deleting either gives the same sequence. VCF-style (leftmost placement, unchanged base first): chr16-68811746-GC-G. GRCh37 (hg19) VCF-style: chr16-68845649-GC-G.
Other names: c.897delC (NM_004360.5); c.897del, p.Ile300fs (NM_001317184.2); c.-719del (NM_001317185.2); c.-923del (NM_001317186.2); short protein forms I300fs.
Identifiers: ClinVar variation 4847768 (VCV004847768.1).

ClinVar aggregate classification (germline): Pathogenic (1 of 4 stars; one submission).

Conditions:
Hereditary diffuse gastric adenocarcinoma (HDGC). Also called: DIFFUSE GASTRIC AND LOBULAR BREAST CANCER SYNDROME. Identifiers: Orphanet 26106, MedGen C1708349, MONDO:0007648, OMIM 137215.

Submission:

Women's Health and Genetics/Laboratory Corporation of America, LabCorp
Classification: Pathogenic for Hereditary diffuse gastric adenocarcinoma. Last evaluated: 2026-03-23. Review status: criteria provided, single submitter. Criteria: LabCorp Variant Classification Summary - May 2015. Collection method: clinical testing. Allele origin: germline.
Comment: Variant summary: CDH1 c.897delC (p.Ile300SerfsX56) results in a premature termination codon, predicted to cause a truncation of the encoded protein or absence of the protein due to nonsense mediated decay, which are commonly known mechanisms for disease. The variant was absent in 251480 control chromosomes. To our knowledge, no occurrence of c.897delC in individuals affected with CDH1-related conditions and no experimental evidence demonstrating its impact on protein function have been reported. No submitters have cited clinical-significance assessments for this variant to ClinVar. Based on the evidence outlined above, the variant was classified as pathogenic.